The following is an entry in ClinVar:

NM_001127898.4(CLCN5):c.1484A>G (p.Tyr495Cys)

Gene: CLCN5 (Cl-/H+ antiporter 5; plus strand). Cytogenetic location: Xp11.23.
Variant type: single nucleotide variant.
Coding change: c.1484A>G on transcript NM_001127898.4 (MANE Select); coding-DNA position 1484, A replaced by G.
Protein change: p.Tyr495Cys; replaces tyrosine 495 with cysteine.
Molecular consequence: missense variant. On other transcripts: non-coding transcript variant (1).
Genome position (GRCh38, 1-based): chrX:50,086,797, A>G. VCF-style: chrX-50086797-A-G. GRCh37 (hg19) VCF-style: chrX-49851454-A-G.
Other names: c.1274A>G, p.Tyr425Cys (NM_000084.5); c.1484A>G, p.Tyr495Cys (NM_001127899.4); c.1334A>G, p.Tyr445Cys (NM_001282163.2); c.1496A>G, p.Tyr499Cys (NM_001440756.1, NM_001440757.1); short protein forms Y445C, Y495C, Y425C, Y499C.
Identifiers: ClinVar variation 4776800 (VCV004776800.1).

ClinVar aggregate classification (germline): Uncertain significance (1 of 4 stars; one submission).

gnomAD v4.1: 37 of 1,209,185 alleles (0.0031%); highest among the groups gnomAD compares: East Asian, 0.03%; no homozygotes.

Submission:

Labcorp Genetics (formerly Invitae), Labcorp
Classification: Uncertain significance. Last evaluated: 2025-03-04. Review status: criteria provided, single submitter. Criteria: Invitae Variant Classification Sherloc (09022015). Collection method: clinical testing. Allele origin: germline.
Comment: This sequence change replaces tyrosine, which is neutral and polar, with cysteine, which is neutral and slightly polar, at codon 425 of the CLCN5 protein (p.Tyr425Cys). This variant is present in population databases (rs782759026, gnomAD 0.03%), and has an allele count higher than expected for a pathogenic variant. This variant has not been reported in the literature in individuals affected with CLCN5-related conditions. Invitae Evidence Modeling of protein sequence and biophysical properties (such as structural, functional, and spatial information, amino acid conservation, physicochemical variation, residue mobility, and thermodynamic stability) indicates that this missense variant is not expected to disrupt CLCN5 protein function with a negative predictive value of 80%. In summary, the available evidence is currently insufficient to determine the role of this variant in disease. Therefore, it has been classified as a Variant of Uncertain Significance.